The following is an entry in ClinVar:

ClinVar aggregate classification (germline): Uncertain significance (1 of 4 stars; one submission).

Conditions:
Arterial tortuosity syndrome (ATORS). Identifiers: Orphanet 3342, MedGen C1859726, MONDO:0008818, OMIM 208050.

Submission:

Labcorp Genetics (formerly Invitae), Labcorp
Classification: Uncertain significance for Arterial tortuosity syndrome. Last evaluated: 2022-09-07. Review status: criteria provided, single submitter. Criteria: Invitae Variant Classification Sherloc (09022015). Collection method: clinical testing. Allele origin: germline.
Comment: In summary, the available evidence is currently insufficient to determine the role of this variant in disease. Therefore, it has been classified as a Variant of Uncertain Significance. Advanced modeling of protein sequence and biophysical properties (such as structural, functional, and spatial information, amino acid conservation, physicochemical variation, residue mobility, and thermodynamic stability) performed at Invitae indicates that this missense variant is expected to disrupt SLC2A10 protein function. ClinVar contains an entry for this variant (Variation ID: 845233). This variant has not been reported in the literature in individuals affected with SLC2A10-related conditions. This variant is not present in population databases (gnomAD no frequency). This sequence change replaces glycine, which is neutral and non-polar, with cysteine, which is neutral and slightly polar, at codon 65 of the SLC2A10 protein (p.Gly65Cys).

NM_030777.4(SLC2A10):c.193G>T (p.Gly65Cys)

Gene: SLC2A10 (solute carrier family 2 member 10; plus strand). Cytogenetic location: 20q13.12.
Variant type: single nucleotide variant.
Coding change: c.193G>T on transcript NM_030777.4 (MANE Select); coding-DNA position 193, G replaced by T.
Protein change: p.Gly65Cys; replaces glycine 65 with cysteine.
Molecular consequence: missense variant.
Genome position (GRCh38, 1-based): chr20:46,725,229, G>T. VCF-style: chr20-46725229-G-T. GRCh37 (hg19) VCF-style: chr20-45353868-G-T.
Other names: short protein forms G65C.
Identifiers: ClinVar variation 845233 (VCV000845233.10), dbSNP rs1979815162, ClinGen allele CA409266529.